The following is an entry in ClinVar:

ClinVar aggregate classification (germline): Likely benign (1 of 4 stars; one submission).

Allele frequency attached by ClinVar (database versions not stated): ExAC 0.00009.
gnomAD v4.1: 125 of 1,613,928 alleles (0.0077%); highest among the groups gnomAD compares: East Asian, 0.069%; no homozygotes.

Submission:

CeGaT Center for Human Genetics Tuebingen
Classification: Likely benign. Last evaluated: 2022-09-01. Review status: criteria provided, single submitter. Criteria: CeGaT Center For Human Genetics Tuebingen Variant Classification Criteria Version 2. Collection method: clinical testing. Allele origin: germline. Affected: yes. Observed: 1 variant allele.
Comment: LILRB5: BP4, BP7

NM_001081442.3(LILRB5):c.888C>T (p.Tyr296=)

Gene: LILRB5 (leukocyte immunoglobulin like receptor B5; minus strand). Cytogenetic location: 19q13.42.
Variant type: single nucleotide variant.
Coding change: c.888C>T on transcript NM_001081442.3 (MANE Select); coding-DNA position 888, C replaced by T.
Protein change: p.Tyr296=; no amino-acid change (tyrosine 296 retained).
Molecular consequence: synonymous variant.
Genome position (GRCh38, 1-based): chr19:54,255,350, G>A on the plus strand (C>T on the coding strand, the complement: LILRB5 is on the minus strand). VCF-style: chr19-54255350-G-A. GRCh37 (hg19) VCF-style: chr19-54759213-G-A.
Other names: c.588C>T, p.Tyr196= (NM_001081443.3); c.861C>T, p.Tyr287= (NM_001304457.3, NM_001412269.1); c.888C>T, p.Tyr296= (NM_006840.5).
Identifiers: ClinVar variation 2650435 (VCV002650435.24), dbSNP rs778997561, ClinGen allele CA309429481.